The following is an entry in ClinVar:

ClinVar aggregate classification (germline): Benign. Review status: criteria provided, multiple submitters, no conflicts (2 of 4 stars). 2 submissions from 2 submitters: Benign (2). Last evaluated 2012-12-21.

Allele frequency attached by ClinVar (database versions not stated): gnomAD 0.10059 and 0.10714; TOPMed 0.11371; 1000 Genomes Project 0.10643; gnomAD exomes 0.02241; 1000 Genomes Project 30x 0.11337.
gnomAD v4.1: 16,453 of 205,586 alleles (8%); highest among the groups gnomAD compares: African/African-American, 32%; 2,317 homozygotes.

Submissions (2):

Laboratory for Molecular Medicine, Mass General Brigham Personalized Medicine
Classification: Benign. Last evaluated: 2012-12-21. Review status: criteria provided, single submitter. Criteria: LMM Criteria. Collection method: clinical testing. Allele origin: germline. Observed: 5 variant alleles.
Comment: *803A>G in 3'UTR of SDHD: This variant has been identified in 9.2% of chromosome s from a broad, though clinically and racially unspecified population by the 100 0 Genomes project (dbSNP rs17113461). Although this region can contain elements that regulate mRNA, there is no obvious predicted effect of this variant. *80 3A>G in 3'UTR of SDHD(rs17113461; allele frequency = 9.2%)

Breakthrough Genomics
Classification: Benign. Review status: criteria provided, single submitter. Criteria: ACMG Guidelines, 2015. Collection method: not provided. Allele origin: germline. Inheritance: Autosomal recessive inheritance. Affected: yes.

NM_003002.4(SDHD):c.*803A>G

Gene: SDHD (succinate dehydrogenase complex subunit D; plus strand). Cytogenetic location: 11q23.1.
Variant type: single nucleotide variant.
Coding change: c.*803A>G on transcript NM_003002.4 (MANE Select); 803 bases downstream of the stop codon, A replaced by G.
Molecular consequence: 3 prime UTR variant. On other transcripts: non-coding transcript variant (1).
Genome position (GRCh38, 1-based): chr11:112,095,773, A>G. VCF-style: chr11-112095773-A-G. GRCh37 (hg19) VCF-style: chr11-111966497-A-G.
Other names: c.*803A>G; c.*880A>G (NM_001276503.2); c.*803A>G (NM_001276504.2); c.*981A>G (NM_001276506.2).
Identifiers: ClinVar variation 44649 (VCV000044649.10), dbSNP rs17113461, ClinGen allele CA017089.
Genomic context (GRCh38, chr11:112,095,773, plus strand): 5'-ATCTCTAATGTGAAAATGTATTCTATGAAAATAATTTTTTTAAATAAAATGTTATATAAT[A>G]AAAGTGTCTTCTATGCTTTTATATATTAGCTATCAGTAGTTTTATTCATTAGAATTAGGT-3'